The following is an entry in ClinVar:

NC_000022.11:g.40345462C>T

Gene: ADSL (adenylosuccinate lyase; plus strand). Cytogenetic location: 22q13.1.
Variant type: single nucleotide variant.
Genome position: GRCh38 VCF-style: chr22-40345462-C-T. GRCh37 (hg19) VCF-style: chr22-40741466-C-T.
Identifiers: ClinVar variation 1393736 (VCV001393736.5), dbSNP rs925724663, ClinGen allele CA324446200.

ClinVar aggregate classification (germline): Uncertain significance (1 of 4 stars; one submission).

Conditions:
Adenylosuccinate lyase deficiency (ADSLD). Also called: ADSL DEFICIENCY. Identifiers: Orphanet 46, MedGen C0268126, MONDO:0007068, OMIM 103050.

Allele frequency attached by ClinVar (database versions not stated): gnomAD 0.00001.

Submission:

Labcorp Genetics (formerly Invitae), Labcorp
Classification: Uncertain significance for Adenylosuccinate lyase deficiency. Last evaluated: 2025-06-12. Review status: criteria provided, single submitter. Criteria: Invitae Variant Classification Sherloc (09022015). Collection method: clinical testing. Allele origin: germline.
Comment: This variant occurs in a non-coding region of the ADSL gene. It does not change the encoded amino acid sequence of the ADSL protein. The frequency data for this variant in the population databases is considered unreliable, as metrics indicate poor data quality at this position in the gnomAD database. This variant has not been reported in the literature in individuals affected with ADSL-related conditions. Experimental studies and prediction algorithms are not available or were not evaluated, and the functional significance of this variant is currently unknown. In summary, the available evidence is currently insufficient to determine the role of this variant in disease. Therefore, it has been classified as a Variant of Uncertain Significance.